The following is an entry in ClinVar:

ClinVar aggregate classification (germline): Uncertain significance (1 of 4 stars; one submission).

Conditions:
Inborn genetic diseases. Identifiers: MedGen C0950123, MeSH D030342.

Submission:

Ambry Genetics
Classification: Uncertain significance for Inborn genetic diseases. Last evaluated: 2025-02-05. Review status: criteria provided, single submitter. Criteria: Ambry Variant Classification Scheme 2023. Collection method: clinical testing. Allele origin: germline.
Comment: The p.G14R variant (also known as c.40G>C), located in coding exon 1 of the ERCC6L2 gene, results from a G to C substitution at nucleotide position 40. The glycine at codon 14 is replaced by arginine, an amino acid with dissimilar properties. This amino acid position is conserved. In addition, this alteration is predicted to be tolerated by in silico analysis. Based on the available evidence, the clinical significance of this variant remains unclear.

NM_020207.7(ERCC6L2):c.40G>C (p.Gly14Arg)

Gene: ERCC6L2 (ERCC excision repair 6 like 2; plus strand). Cytogenetic location: 9q22.32.
Variant type: single nucleotide variant.
Coding change: c.40G>C on transcript NM_020207.7 (MANE Select); coding-DNA position 40, G replaced by C.
Protein change: p.Gly14Arg; replaces glycine 14 with arginine.
Molecular consequence: missense variant. On other transcripts: non-coding transcript variant (1).
Genome position (GRCh38, 1-based): chr9:95,876,078, G>C. VCF-style: chr9-95876078-G-C. GRCh37 (hg19) VCF-style: chr9-98638360-G-C.
Other names: c.40G>C, p.Gly14Arg (NM_001010895.4, NM_001375291.1, NM_001375292.1 and 2 more transcripts); short protein forms G14R.
Identifiers: ClinVar variation 3845919 (VCV003845919.1).